The following is an entry in ClinVar:

NM_016441.3(CRIM1):c.26G>T (p.Gly9Val)

Gene: CRIM1 (cysteine rich transmembrane BMP regulator 1). Cytogenetic location: 2p22.2.
Variant type: single nucleotide variant.
Coding change: c.26G>T on transcript NM_016441.3 (MANE Select); coding-DNA position 26, G replaced by T.
Protein change: p.Gly9Val; replaces glycine 9 with valine.
Molecular consequence: missense variant.
Genome position (GRCh38, 1-based): chr2:36,356,318, G>T. VCF-style: chr2-36356318-G-T. GRCh37 (hg19) VCF-style: chr2-36583461-G-T.
Other names: short protein forms G9V.
Identifiers: ClinVar variation 3059689 (VCV003059689.2), dbSNP rs3821169, ClinGen allele CA1609764.

ClinVar aggregate classification (germline): Benign (0 of 4 stars; one submission).

Conditions:
CRIM1-related disorder. Also called: CRIM1-related condition.

Allele frequency attached by ClinVar (database versions not stated): ESP Exome Variant Server 0.00464; gnomAD 0.01807; gnomAD exomes 0.01873; TOPMed 0.01874; 1000 Genomes Project 30x 0.05949; 1000 Genomes Project 0.06589; ExAC 0.09158.
gnomAD v4.1: 29,646 of 1,571,398 alleles (1.9%); highest among the groups gnomAD compares: East Asian, 26%; 1,745 homozygotes.

Submission:

PreventionGenetics, part of Exact Sciences
Classification: Benign for CRIM1-related condition. Last evaluated: 2019-06-26. Review status: no assertion criteria provided. Collection method: clinical testing. Allele origin: germline.
Comment: This variant is classified as benign based on ACMG/AMP sequence variant interpretation guidelines (Richards et al. 2015 PMID: 25741868, with internal and published modifications).